The following is an entry in ClinVar:

NM_152703.5(SAMD9L):c.1886G>A (p.Arg629Gln)

Gene: SAMD9L (sterile alpha motif domain containing 9 like; minus strand). Cytogenetic location: 7q21.2.
Variant type: single nucleotide variant.
Coding change: c.1886G>A on transcript NM_152703.5 (MANE Select); coding-DNA position 1886, G replaced by A.
Protein change: p.Arg629Gln; replaces arginine 629 with glutamine.
Molecular consequence: missense variant.
Genome position (GRCh38, 1-based): chr7:93,134,086, C>T on the plus strand (G>A on the coding strand, the complement: SAMD9L is on the minus strand). VCF-style: chr7-93134086-C-T. GRCh37 (hg19) VCF-style: chr7-92763399-C-T.
Other names: c.1886G>A, p.Arg629Gln (NM_001303496.3, NM_001303497.3, NM_001303498.3 and 5 more transcripts); c.1886G>A (NM_152703.3); short protein forms R629Q.
Identifiers: ClinVar variation 1338083 (VCV001338083.7), dbSNP rs142436298, ClinGen allele CA4343667.

ClinVar aggregate classification (germline): Uncertain significance. Review status: criteria provided, multiple submitters, no conflicts (2 of 4 stars). 3 submissions from 3 submitters: Uncertain significance (3). Last evaluated 2025-05-18.

Allele frequency attached by ClinVar (database versions not stated): TOPMed below 0.00001; 1000 Genomes Project 0.00020; gnomAD 0.00001 and 0.00002; 1000 Genomes Project 30x 0.00016.
gnomAD v4.1: 10 of 1,613,788 alleles (0.00062%); highest among the groups gnomAD compares: Middle Eastern, 0.016%; no homozygotes.

Submissions (3):

Labcorp Genetics (formerly Invitae), Labcorp
Classification: Uncertain significance. Last evaluated: 2025-05-18. Review status: criteria provided, single submitter. Criteria: Invitae Variant Classification Sherloc (09022015). Collection method: clinical testing. Allele origin: germline.
Comment: This sequence change replaces arginine, which is basic and polar, with glutamine, which is neutral and polar, at codon 629 of the SAMD9L protein (p.Arg629Gln). This variant is present in population databases (rs142436298, gnomAD 0.007%). This variant has not been reported in the literature in individuals affected with SAMD9L-related conditions. ClinVar contains an entry for this variant (Variation ID: 1338083). An algorithm developed to predict the effect of missense changes on protein structure and function outputs the following: PolyPhen-2: "Not Available". The glutamine amino acid residue is found in multiple mammalian species, which suggests that this missense change does not adversely affect protein function. In summary, the available evidence is currently insufficient to determine the role of this variant in disease. Therefore, it has been classified as a Variant of Uncertain Significance.

GeneDx
Classification: Uncertain significance. Last evaluated: 2022-07-22. Review status: criteria provided, single submitter. Criteria: GeneDx Variant Classification Process June 2021. Collection method: clinical testing. Allele origin: germline. Affected: yes.
Comment: Not observed at significant frequency in large population cohorts (gnomAD); In silico analysis supports that this missense variant does not alter protein structure/function; Has not been previously published as pathogenic or benign to our knowledge

Genetic Services Laboratory, University of Chicago
Classification: Uncertain significance. Last evaluated: 2021-09-22. Review status: criteria provided, single submitter. Criteria: ACMG Guidelines, 2015. Collection method: clinical testing. Allele origin: germline. Affected: no.
Comment: DNA sequence analysis of the SAMD9L gene demonstrated a sequence change, c.1886G>A, in exon 5 that results in an amino acid change, p.Arg629Gln. This sequence change has been described in the gnomAD database with a frequency of 0.006% in the African/African American subpopulation (dbSNP rs142436298). The p.Arg629Gln change affects a poorly conserved amino acid residue located in a domain of the SAMD9L protein that is not known to be functional. The p.Arg629Gln substitution appears to be benign using several in-silico pathogenicity prediction tools (SIFT, PolyPhen2, Align GVGD, REVEL). This sequence change does not appear to have been previously described in individuals with SAMD9L-related disorders. Due to insufficient evidences and the lack of functional studies, the clinical significance of the p.Arg629Gln change remains unknown at this time.